The following is an entry in ClinVar:

ClinVar aggregate classification (germline): Uncertain significance (1 of 4 stars; one submission).

Conditions:
Inborn genetic diseases. Identifiers: MedGen C0950123, MeSH D030342.

Submission:

Ambry Genetics
Classification: Uncertain significance for Inborn genetic diseases. Last evaluated: 2025-01-10. Review status: criteria provided, single submitter. Criteria: Ambry Variant Classification Scheme 2023. Collection method: clinical testing. Allele origin: germline.
Comment: The p.H256Y variant (also known as c.766C>T), located in coding exon 5 of the ELANE gene, results from a C to T substitution at nucleotide position 766. The histidine at codon 256 is replaced by tyrosine, an amino acid with similar properties. This amino acid position is conserved. In addition, this alteration is predicted to be tolerated by in silico analysis. Based on the available evidence, the clinical significance of this variant remains unclear.

NM_001972.4(ELANE):c.766C>T (p.His256Tyr)

Gene: ELANE (elastase, neutrophil expressed; plus strand). Cytogenetic location: 19p13.3.
Variant type: single nucleotide variant.
Coding change: c.766C>T on transcript NM_001972.4 (MANE Select); coding-DNA position 766, C replaced by T.
Protein change: p.His256Tyr; replaces histidine 256 with tyrosine.
Molecular consequence: missense variant.
Genome position (GRCh38, 1-based): chr19:856,126, C>T. VCF-style: chr19-856126-C-T. GRCh37 (hg19) VCF-style: chr19-856126-C-T.
Other names: short protein forms H256Y.
Identifiers: ClinVar variation 3844294 (VCV003844294.1).